The following is an entry in ClinVar:

ClinVar aggregate classification (germline): Pathogenic. Review status: criteria provided, multiple submitters, no conflicts (2 of 4 stars). 2 submissions from 2 submitters: Pathogenic (2). Last evaluated 2022-09-06.

Conditions:
Cardiovascular phenotype. Identifiers: MedGen CN230736.

Allele frequency attached by ClinVar (database versions not stated): gnomAD exomes below 0.00001.
gnomAD v4.1: 1 of 1,614,172 alleles (0.000062%); highest among the groups gnomAD compares: Non-Finnish European, 0.000085%; no homozygotes.

Submissions (2):

Ambry Genetics
Classification: Pathogenic for Cardiovascular phenotype. Last evaluated: 2022-09-06. Review status: criteria provided, single submitter. Criteria: Ambry Variant Classification Scheme 2023. Collection method: clinical testing. Allele origin: germline.
Comment: The p.K832* pathogenic mutation (also known as c.2494A>T), located in coding exon 10 of the KCNH2 gene, results from an A to T substitution at nucleotide position 2494. This changes the amino acid from a lysine to a stop codon within coding exon 10. This alteration has been reported in long QT and sudden arrhythmia death syndrome cohorts (Napolitano C et al. JAMA 2005;294:2975-80, Kapplinger JD et al. Heart Rhythm 2009;6(9):1297-303, McGorrian C et al. Europace 2013;15:1050-8). This variant is considered to be rare based on population cohorts in the Genome Aggregation Database (gnomAD). In addition to the clinical data presented in the literature, this alteration is expected to result in loss of function by premature protein truncation or nonsense-mediated mRNA decay. As such, this alteration is interpreted as a disease-causing mutation.

GeneDx
Classification: Pathogenic. Last evaluated: 2018-06-07. Review status: criteria provided, single submitter. Criteria: GeneDx Variant Classification (06012015). Collection method: clinical testing. Allele origin: germline. Affected: yes.
Comment: The K832X variant in the KCNH2 gene has been reported in association with LQTS (Napolitano et al., 2005; Kapplinger et al., 2009). This variant is predicted to cause loss of normal protein function either by protein truncation or nonsense-mediated mRNA decay. Other nonsense variants in the KCNH2 gene have been reported in Human Gene Mutation Database in association with LQTS (Stenson et al., 2014). Furthermore, the K832X variant is not observed in large population cohorts (Lek et al., 2016). In summary, K832X in the KCNH2 gene is interpreted as a pathogenic variant.

Literature cited by the submitters: PubMed 16414944 (cited by Ambry Genetics); PubMed 19716085 (cited by Ambry Genetics); PubMed 23382499 (cited by Ambry Genetics).

NM_000238.4(KCNH2):c.2494A>T (p.Lys832Ter)

Gene: KCNH2 (potassium voltage-gated channel subfamily H member 2; minus strand). Cytogenetic location: 7q36.1.
Variant type: single nucleotide variant.
Coding change: c.2494A>T on transcript NM_000238.4 (MANE Select); coding-DNA position 2494, A replaced by T.
Protein change: p.Lys832Ter; replaces lysine 832 with a stop codon.
Molecular consequence: nonsense. On other transcripts: non-coding transcript variant (2).
Genome position (GRCh38, 1-based): chr7:150,948,954, T>A on the plus strand (A>T on the coding strand, the complement: KCNH2 is on the minus strand). VCF-style: chr7-150948954-T-A. GRCh37 (hg19) VCF-style: chr7-150646042-T-A.
Other names: p.K832*:AAG>TAG; c.2206A>T, p.Lys736Ter (NM_001406753.1); c.1474A>T, p.Lys492Ter (NM_172057.3); short protein forms K492*, K832*, K736*.
Identifiers: ClinVar variation 200460 (VCV000200460.6), dbSNP rs794728393, ClinGen allele CA006840.